The following is an entry in ClinVar:

ClinVar aggregate classification (germline): Benign. Review status: criteria provided, multiple submitters, no conflicts (2 of 4 stars). 3 submissions from 2 submitters: Benign (3). Last evaluated 2018-01-13.

Conditions:
Hypertrophic cardiomyopathy 11. Also called: ACTC1-Related Familial Hypertrophic Cardiomyopathy. Identifiers: MedGen C2677506, MONDO:0012799, OMIM 612098.
Dilated cardiomyopathy 1R (CMD1R). Identifiers: Orphanet 154, Orphanet 54260, MedGen C3150681, MONDO:0013261, OMIM 613424.

Allele frequency attached by ClinVar (database versions not stated): gnomAD 0.20984 and 0.21006; TOPMed 0.21489; 1000 Genomes Project 30x 0.23189; 1000 Genomes Project 0.23063.

Submissions (3):

Illumina Laboratory Services, Illumina
Classification: Benign for Dilated cardiomyopathy 1R. Last evaluated: 2018-01-13. Review status: criteria provided, single submitter. Criteria: ICSL Variant Classification Criteria 13 December 2019. Collection method: clinical testing. Allele origin: germline.
Comment: This variant was observed in the ICSL laboratory as part of a predisposition screen in an ostensibly healthy population. It had not been previously curated by ICSL or reported in the Human Gene Mutation Database (HGMD: prior to June 1st, 2018), and was therefore a candidate for classification through an automated scoring system. Utilizing variant allele frequency, disease prevalence and penetrance estimates, and inheritance mode, an automated score was calculated to assess if this variant is too frequent to cause the disease. Based on the score and internal cut-off values, a variant classified as benign is not then subjected to further curation. The score for this variant resulted in a classification of benign for this disease.

Illumina Laboratory Services, Illumina
Classification: Benign for Hypertrophic cardiomyopathy 11. Last evaluated: 2018-01-13. Review status: criteria provided, single submitter. Criteria: ICSL Variant Classification Criteria 13 December 2019. Collection method: clinical testing. Allele origin: germline.
Comment: the same text as in the submission from Illumina Laboratory Services, Illumina above.

Breakthrough Genomics
Classification: Benign. Review status: criteria provided, single submitter. Criteria: ACMG Guidelines, 2015. Collection method: not provided. Allele origin: germline. Inheritance: Autosomal dominant inheritance. Affected: yes.

NM_005159.4(ACTC1):c.*1445C>G

Genes: ACTC1 (actin alpha cardiac muscle 1; minus strand), GJD2-DT (GJD2 divergent transcript; plus strand). Cytogenetic location: 15q14.
Variant type: single nucleotide variant.
Coding change: c.*1445C>G on transcript NM_005159.4; 1445 bases downstream of the stop codon, C replaced by G.
Genome position (GRCh38, 1-based): chr15:34,788,967, G>C on the plus strand (C>G on the coding strand, the complement: ACTC1 is on the minus strand). VCF-style: chr15-34788967-G-C. GRCh37 (hg19) VCF-style: chr15-35081168-G-C.
Identifiers: ClinVar variation 315659 (VCV000315659.8), dbSNP rs8037241, ClinGen allele CA10646833.